The following is an entry in ClinVar:

ClinVar aggregate classification (germline): Pathogenic (1 of 4 stars; one submission).

Conditions:
Congenital myasthenic syndrome 5. Identifiers: Orphanet 590, MedGen C1864233, MONDO:0011281, OMIM 603034.

Submission:

Labcorp Genetics (formerly Invitae), Labcorp
Classification: Pathogenic for Congenital myasthenic syndrome 5. Last evaluated: 2022-11-08. Review status: criteria provided, single submitter. Criteria: Invitae Variant Classification Sherloc (09022015). Collection method: clinical testing. Allele origin: germline.
Comment: For these reasons, this variant has been classified as Pathogenic. Algorithms developed to predict the effect of sequence changes on RNA splicing suggest that this variant may disrupt the consensus splice site. ClinVar contains an entry for this variant (Variation ID: 1416795). Disruption of this splice site has been observed in individuals with congenital myasthenic syndrome (PMID: 10665486, 16009904). This variant is not present in population databases (gnomAD no frequency). This sequence change affects a donor splice site in intron 15 of the COLQ gene. It is expected to disrupt RNA splicing. Variants that disrupt the donor or acceptor splice site typically lead to a loss of protein function (PMID: 16199547), and loss-of-function variants in COLQ are known to be pathogenic (PMID: 22678886).

Literature cited by the submitters: PubMed 10665486; PubMed 16009904; PubMed 16199547; PubMed 22678886.

NM_005677.4(COLQ):c.1195+2T>C

Gene: COLQ (collagen like tail subunit of asymmetric acetylcholinesterase; minus strand). Cytogenetic location: 3p25.1.
Variant type: single nucleotide variant.
Coding change: c.1195+2T>C on transcript NM_005677.4 (MANE Select); the canonical splice donor site of the intron after coding-DNA position 1195, T replaced by C.
Molecular consequence: splice donor variant.
Genome position (GRCh38, 1-based): chr3:15,455,897, A>G on the plus strand (T>C on the coding strand, the complement: COLQ is on the minus strand). VCF-style: chr3-15455897-A-G. GRCh37 (hg19) VCF-style: chr3-15497404-A-G.
Other names: c.1093+2T>C (NM_080539.4); c.1165+2T>C (NM_080538.2).
Identifiers: ClinVar variation 1416795 (VCV001416795.6), dbSNP rs2125085333, ClinGen allele CA351596115.
Genomic context (GRCh38, chr3:15,455,897, plus strand): 5'-GCCCTGAGTCCCACCCCCCTGCTGTTCAGGCCTCAGGTCCTCCTGGTCTGGGCCTCACTC[A>G]CGGATGCAGTCGTCACCCACATCGCTGTTACCGTCGTCACACTCCTCCCCAGGCTGCAGG-3'